The following is an entry in ClinVar:

ClinVar aggregate classification (germline): Conflicting classifications of pathogenicity. Review status: criteria provided, conflicting classifications (1 of 4 stars). 3 submissions from 3 submitters: Pathogenic (1); Likely pathogenic (1); Uncertain significance (1). Last evaluated 2022-09-09.

Conditions:
ADAR-related disorder. Also called: ADAR-related disorders; ADAR-related condition.
Symmetrical dyschromatosis of extremities (DSH). Also called: Dyschromatosis symmetrica hereditaria; RETICULATE ACROPIGMENTATION OF DOHI; DYSCHROMATOSIS SYMMETRICA HEREDITARIA 1; SYMMETRIC DYSCHROMATOSIS OF THE EXTREMITIES. Identifiers: Orphanet 41, MedGen C0406775, MONDO:0007483, OMIM 127400.
Aicardi-Goutieres syndrome 6 (AGS6). Identifiers: Orphanet 51, MedGen C3539013, MONDO:0014007, OMIM 615010.

Allele frequency attached by ClinVar (database versions not stated): gnomAD exomes below 0.00001.
gnomAD v4.1: 1 of 1,614,164 alleles (0.000062%); highest among the groups gnomAD compares: Non-Finnish European, 0.000085%; no homozygotes.

Submissions (3):

Labcorp Genetics (formerly Invitae), Labcorp
Classification: Uncertain significance for Aicardi-Goutieres syndrome 6; Symmetrical dyschromatosis of extremities. Last evaluated: 2022-09-09. Review status: criteria provided, single submitter. Criteria: Invitae Variant Classification Sherloc (09022015). Collection method: clinical testing. Allele origin: germline.
Comment: In summary, the available evidence is currently insufficient to determine the role of this variant in disease. Therefore, it has been classified as a Variant of Uncertain Significance. This sequence change replaces glutamic acid, which is acidic and polar, with lysine, which is basic and polar, at codon 1193 of the ADAR protein (p.Glu1193Lys). This variant is not present in population databases (gnomAD no frequency). This missense change has been observed in individual(s) with ADAR-related conditions (PMID: 30692772). ClinVar contains an entry for this variant (Variation ID: 424040). Advanced modeling of protein sequence and biophysical properties (such as structural, functional, and spatial information, amino acid conservation, physicochemical variation, residue mobility, and thermodynamic stability) performed at Invitae indicates that this missense variant is not expected to disrupt ADAR protein function.

GeneDx
Classification: Likely pathogenic. Last evaluated: 2022-08-02. Review status: criteria provided, single submitter. Criteria: GeneDx Variant Classification Process June 2021. Collection method: clinical testing. Allele origin: germline. Affected: yes.
Comment: Not observed at significant frequency in large population cohorts (gnomAD); In silico analysis supports that this missense variant does not alter protein structure/function; Observed with a pathogenic variant on the opposite allele (in trans) in a patient with clinical features consistent with ADAR-related Aicardi-Goutieres syndrome in published literature (Samanta et al., 2019); This variant is associated with the following publications: (PMID: 30692772)

Blueprint Genetics
Classification: Pathogenic for ADAR-related disorders. Last evaluated: 2022-06-24. Review status: criteria provided, single submitter. Criteria: ACMG Guidelines, 2015. Collection method: clinical testing. Allele origin: germline. Affected: yes. Observed: 1 variant allele.

Literature cited by the submitters: PubMed 30692772 (cited by Labcorp Genetics (formerly Invitae), Labcorp).

NM_001111.5(ADAR):c.3577G>A (p.Glu1193Lys)

Gene: ADAR (adenosine deaminase RNA specific; minus strand). Cytogenetic location: 1q21.3.
Variant type: single nucleotide variant.
Coding change: c.3577G>A on transcript NM_001111.5 (MANE Select); coding-DNA position 3577, G replaced by A.
Protein change: p.Glu1193Lys; replaces glutamic acid 1193 with lysine.
Molecular consequence: missense variant.
Genome position (GRCh38, 1-based): chr1:154,584,910, C>T on the plus strand (G>A on the coding strand, the complement: ADAR is on the minus strand). VCF-style: chr1-154584910-C-T. GRCh37 (hg19) VCF-style: chr1-154557386-C-T.
Other names: c.2692G>A, p.Glu898Lys (NM_001025107.3, NM_001193495.2, NM_001365046.1 and 2 more transcripts); c.3604G>A, p.Glu1202Lys (NM_001365045.1); c.2614G>A, p.Glu872Lys (NM_001365049.1); c.3499G>A, p.Glu1167Lys (NM_015840.4); c.3442G>A, p.Glu1148Lys (NM_015841.4); c.3577G>A, p.Glu1193Lys (LRG_1212t1); short protein forms E1193K, E1202K, E872K, E1148K, E1167K, E898K.
Identifiers: ClinVar variation 424040 (VCV000424040.15), dbSNP rs1064796761, ClinGen allele CA16616992.
Genomic context (GRCh38, chr1:154,584,910, plus strand): 5'-TAATCCAGTTCCCATAGCCCATATCCTTCAGGCCTTTTTTGAAGTAGTTCTTGGCCGTCT[C>T]GTAGTCACGGGCAGCTTTCTTGGCCTCACCATAGGAGAGTCTCAGTAGATCCCTGCGGTA-3'
Protein context (NP_001102.3, residues 1183-1203): GEAKKAARDY[Glu1193Lys]TAKNYFKKGL